The following is an entry in ClinVar:

NM_006755.2(TALDO1):c.327A>T (p.Ala109=)

Gene: TALDO1 (transaldolase 1; plus strand). Cytogenetic location: 11p15.5.
Variant type: single nucleotide variant.
Coding change: c.327A>T on transcript NM_006755.2 (MANE Select); coding-DNA position 327, A replaced by T.
Protein change: p.Ala109=; no amino-acid change (alanine 109 retained).
Molecular consequence: synonymous variant.
Genome position (GRCh38, 1-based): chr11:759,055, A>T. VCF-style: chr11-759055-A-T. GRCh37 (hg19) VCF-style: chr11-759055-A-T.
Identifiers: ClinVar variation 745793 (VCV000745793.8), dbSNP rs761656906, ClinGen allele CA5788089.

ClinVar aggregate classification (germline): Likely benign. Review status: criteria provided, single submitter (1 of 4 stars). 2 submissions from 2 submitters: Likely benign (1). 1 of the submissions does not count toward it. Last evaluated 2024-08-14.

Conditions:
TALDO1-related disorder. Also called: TALDO1-related condition.

Allele frequency attached by ClinVar (database versions not stated): ExAC 0.00002; gnomAD exomes 0.00003 and 0.00004; gnomAD 0.00001; TOPMed 0.00001.
gnomAD v4.1: 16 of 1,610,992 alleles (0.00099%); highest among the groups gnomAD compares: Admixed American, 0.013%; no homozygotes.

Submissions (2):

Labcorp Genetics (formerly Invitae), Labcorp
Classification: Likely benign. Last evaluated: 2024-08-14. Review status: criteria provided, single submitter. Criteria: Invitae Variant Classification Sherloc (09022015). Collection method: clinical testing. Allele origin: germline.

PreventionGenetics, part of Exact Sciences
Classification: Likely benign for TALDO1-related condition. Last evaluated: 2019-06-08. Review status: no assertion criteria provided. Collection method: clinical testing. Allele origin: germline. Not counted in ClinVar's aggregate classification.
Comment: This variant is classified as likely benign based on ACMG/AMP sequence variant interpretation guidelines (Richards et al. 2015 PMID: 25741868, with internal and published modifications).